The following is an entry in ClinVar:

NM_001385125.1(OPN1SW):c.-8T>C

Genes: OPN1SW (opsin 1, short wave sensitive; minus strand), LOC107980434 (blue cone (S) opsin upstream regulatory region; plus strand). Cytogenetic location: 7q32.1.
Variant type: single nucleotide variant.
Coding change: c.-8T>C on transcript NM_001385125.1 (MANE Select); 8 bases upstream of the start codon, T replaced by C.
Molecular consequence: 5 prime UTR variant.
Genome position (GRCh38, 1-based): chr7:128,775,789, A>G on the plus strand (T>C on the coding strand, the complement: OPN1SW is on the minus strand). VCF-style: chr7-128775789-A-G. GRCh37 (hg19) VCF-style: chr7-128415843-A-G.
Identifiers: ClinVar variation 1417357 (VCV001417357.6), dbSNP rs768901617, ClinGen allele CA4473080.

ClinVar aggregate classification (germline): Uncertain significance (1 of 4 stars; one submission).

Allele frequency attached by ClinVar (database versions not stated): gnomAD 0.00002 and 0.00003; ExAC 0.00003; TOPMed 0.00003; gnomAD exomes 0.00004 and 0.00005.

Submission:

Labcorp Genetics (formerly Invitae), Labcorp
Classification: Uncertain significance. Last evaluated: 2025-09-11. Review status: criteria provided, single submitter. Criteria: Invitae Variant Classification Sherloc (09022015). Collection method: clinical testing. Allele origin: germline.
Comment: This sequence change affects the initiator codon of the OPN1SW mRNA. This change may impact translation initiation or efficiency. The next in-frame methionine is located at codon 4. This variant is present in population databases (rs768901617, gnomAD 0.007%). This variant has not been reported in the literature in individuals affected with OPN1SW-related conditions. ClinVar contains an entry for this variant (Variation ID: 1417357). Experimental studies and prediction algorithms are not available or were not evaluated, and the functional significance of this variant is currently unknown. In summary, the available evidence is currently insufficient to determine the role of this variant in disease. Therefore, it has been classified as a Variant of Uncertain Significance.